The following is an entry in ClinVar:

NM_004629.2(FANCG):c.1820C>A (p.Ala607Asp)

Gene: FANCG (FA complementation group G; minus strand). Cytogenetic location: 9p13.3.
Variant type: single nucleotide variant.
Coding change: c.1820C>A on transcript NM_004629.2 (MANE Select); coding-DNA position 1820, C replaced by A.
Protein change: p.Ala607Asp; replaces alanine 607 with aspartic acid.
Molecular consequence: missense variant.
Genome position (GRCh38, 1-based): chr9:35,074,157, G>T on the plus strand (C>A on the coding strand, the complement: FANCG is on the minus strand). VCF-style: chr9-35074157-G-T. GRCh37 (hg19) VCF-style: chr9-35074154-G-T.
Other names: short protein forms A607D.
Identifiers: ClinVar variation 2896169 (VCV002896169.2), dbSNP rs750436883, ClinGen allele CA5039608.

ClinVar aggregate classification (germline): Uncertain significance (1 of 4 stars; one submission).

Conditions:
Fanconi anemia (FA). Also called: Fanconi's anemia. Identifiers: Orphanet 84, MedGen C0015625, MeSH D005199, MONDO:0019391.

Allele frequency attached by ClinVar (database versions not stated): TOPMed below 0.00001; ExAC 0.00001; gnomAD 0.00001; gnomAD exomes 0.00001.
gnomAD v4.1: 13 of 1,614,110 alleles (0.00081%); highest among the groups gnomAD compares: African/African-American, 0.0013%; no homozygotes.

Submission:

Labcorp Genetics (formerly Invitae), Labcorp
Classification: Uncertain significance for Fanconi anemia. Last evaluated: 2024-01-25. Review status: criteria provided, single submitter. Criteria: Invitae Variant Classification Sherloc (09022015). Collection method: clinical testing. Allele origin: germline.
Comment: This sequence change replaces alanine, which is neutral and non-polar, with aspartic acid, which is acidic and polar, at codon 607 of the FANCG protein (p.Ala607Asp). This variant is present in population databases (rs750436883, gnomAD 0.0009%). This variant has not been reported in the literature in individuals affected with FANCG-related conditions. Advanced modeling of protein sequence and biophysical properties (such as structural, functional, and spatial information, amino acid conservation, physicochemical variation, residue mobility, and thermodynamic stability) performed at Invitae indicates that this missense variant is not expected to disrupt FANCG protein function with a negative predictive value of 80%. In summary, the available evidence is currently insufficient to determine the role of this variant in disease. Therefore, it has been classified as a Variant of Uncertain Significance.